The following is an entry in ClinVar:

NM_017617.5(NOTCH1):c.244G>T (p.Val82Leu)

Gene: NOTCH1 (notch receptor 1; minus strand). Cytogenetic location: 9q34.3.
Variant type: single nucleotide variant.
Coding change: c.244G>T on transcript NM_017617.5 (MANE Select); coding-DNA position 244, G replaced by T.
Protein change: p.Val82Leu; replaces valine 82 with leucine.
Molecular consequence: missense variant.
Genome position (GRCh38, 1-based): chr9:136,523,876, C>A on the plus strand (G>T on the coding strand, the complement: NOTCH1 is on the minus strand). VCF-style: chr9-136523876-C-A. GRCh37 (hg19) VCF-style: chr9-139418328-C-A.
Other names: c.244G>T, p.Val82Leu (LRG_1122t1); short protein forms V82L.
Identifiers: ClinVar variation 660974 (VCV000660974.1), dbSNP rs571831870, ClinGen allele CA375572940.

ClinVar aggregate classification (germline): Uncertain significance (1 of 4 stars; one submission).

Conditions:
Adams-Oliver syndrome 5 (AOS5). Identifiers: Orphanet 974, MedGen C4014970, MONDO:0014459, OMIM 616028.

Submission:

Labcorp Genetics (formerly Invitae), Labcorp
Classification: Uncertain significance for Adams-Oliver syndrome 5. Last evaluated: 2018-07-30. Review status: criteria provided, single submitter. Criteria: Invitae Variant Classification Sherloc (09022015). Collection method: clinical testing. Allele origin: germline.
Comment: This sequence change replaces valine with leucine at codon 82 of the NOTCH1 protein (p.Val82Leu). The valine residue is weakly conserved and there is a small physicochemical difference between valine and leucine. This variant is not present in population databases (ExAC no frequency). This variant has not been reported in the literature in individuals with NOTCH1-related disease. Algorithms developed to predict the effect of missense changes on protein structure and function output the following: SIFT: "Tolerated"; PolyPhen-2: "Benign"; Align-GVGD: "Class C0". The leucine amino acid residue is found in multiple mammalian species, suggesting that this missense change does not adversely affect protein function. These predictions have not been confirmed by published functional studies and their clinical significance is uncertain. In summary, the available evidence is currently insufficient to determine the role of this variant in disease. Therefore, it has been classified as a Variant of Uncertain Significance.